The following is an entry in ClinVar:

NM_022124.6(CDH23):c.1140+1G>C

Gene: CDH23 (cadherin related 23; plus strand). Cytogenetic location: 10q22.1.
Variant type: single nucleotide variant.
Coding change: c.1140+1G>C on transcript NM_022124.6 (MANE Select); the canonical splice donor site of the intron after coding-DNA position 1140, G replaced by C.
Molecular consequence: splice donor variant.
Genome position (GRCh38, 1-based): chr10:71,643,867, G>C. VCF-style: chr10-71643867-G-C. GRCh37 (hg19) VCF-style: chr10-73403624-G-C.
Other names: c.1140+1G>C (NM_001171930.2, NM_001171931.2, NM_052836.4).
Identifiers: ClinVar variation 1479158 (VCV001479158.6), dbSNP rs771002870, ClinGen allele CA377127131.

ClinVar aggregate classification (germline): Likely pathogenic (1 of 4 stars; one submission).

Submission:

Labcorp Genetics (formerly Invitae), Labcorp
Classification: Likely pathogenic. Last evaluated: 2023-12-14. Review status: criteria provided, single submitter. Criteria: Invitae Variant Classification Sherloc (09022015). Collection method: clinical testing. Allele origin: germline.
Comment: This sequence change affects a donor splice site in intron 12 of the CDH23 gene. It is expected to disrupt RNA splicing. Variants that disrupt the donor or acceptor splice site typically lead to a loss of protein function (PMID: 16199547), and loss-of-function variants in CDH23 are known to be pathogenic (PMID: 11138009, 21940737). This variant is not present in population databases (gnomAD no frequency). This variant has not been reported in the literature in individuals affected with CDH23-related conditions. ClinVar contains an entry for this variant (Variation ID: 1479158). Algorithms developed to predict the effect of sequence changes on RNA splicing suggest that this variant may disrupt the consensus splice site. In summary, the currently available evidence indicates that the variant is pathogenic, but additional data are needed to prove that conclusively. Therefore, this variant has been classified as Likely Pathogenic.

Literature cited by the submitters: PubMed 16199547; PubMed 11138009; PubMed 21940737.